The following is an entry in ClinVar:

NM_001845.6(COL4A1):c.3443G>T (p.Gly1148Val)

Gene: COL4A1 (collagen type IV alpha 1 chain; minus strand). Cytogenetic location: 13q34.
Variant type: single nucleotide variant.
Coding change: c.3443G>T on transcript NM_001845.6 (MANE Select); coding-DNA position 3443, G replaced by T.
Protein change: p.Gly1148Val; replaces glycine 1148 with valine.
Molecular consequence: missense variant.
Genome position (GRCh38, 1-based): chr13:110,173,962, C>A on the plus strand (G>T on the coding strand, the complement: COL4A1 is on the minus strand). VCF-style: chr13-110173962-C-A. GRCh37 (hg19) VCF-style: chr13-110826309-C-A.
Other names: short protein forms G1148V.
Identifiers: ClinVar variation 2115419 (VCV002115419.5), dbSNP rs1216419547, ClinGen allele CA388664231.

ClinVar aggregate classification (germline): Likely pathogenic. Review status: criteria provided, multiple submitters, no conflicts (2 of 4 stars). 2 submissions from 2 submitters: Likely pathogenic (2). Last evaluated 2023-01-25.

Submissions (2):

Institute for Clinical Genetics, University Hospital TU Dresden, University Hospital TU Dresden
Classification: Likely pathogenic. Last evaluated: 2023-01-25. Review status: criteria provided, single submitter. Criteria: ACMG Guidelines, 2015. Collection method: clinical testing. Allele origin: de novo.
Comment: PM6, PP3, PM1_STR, PM2_SUP

Labcorp Genetics (formerly Invitae), Labcorp
Classification: Likely pathogenic. Last evaluated: 2022-03-20. Review status: criteria provided, single submitter. Criteria: Invitae Variant Classification Sherloc (09022015). Collection method: clinical testing. Allele origin: germline.
Comment: This variant has not been reported in the literature in individuals affected with COL4A1-related conditions. This variant is not present in population databases (gnomAD no frequency). This sequence change replaces glycine, which is neutral and non-polar, with valine, which is neutral and non-polar, at codon 1148 of the COL4A1 protein (p.Gly1148Val). In summary, the currently available evidence indicates that the variant is pathogenic, but additional data are needed to prove that conclusively. Therefore, this variant has been classified as Likely Pathogenic. This variant disrupts the triple helix domain of COL4A1. Glycine residues within the Gly-Xaa-Yaa repeats of the triple helix domain are required for the structure and stability of fibrillar collagens (PMID: 7695699, 8218237, 19344236). In COL4A1 variants affecting these glycine residues are significantly enriched in individuals with disease (PMID: 9016532, 17078022) compared to the general population (ExAC). Advanced modeling of protein sequence and biophysical properties (such as structural, functional, and spatial information, amino acid conservation, physicochemical variation, residue mobility, and thermodynamic stability) performed at Invitae indicates that this missense variant is expected to disrupt COL4A1 protein function.

Literature cited by the submitters: PubMed 7695699 (cited by Labcorp Genetics (formerly Invitae), Labcorp); PubMed 8218237 (cited by Labcorp Genetics (formerly Invitae), Labcorp); PubMed 19344236 (cited by Labcorp Genetics (formerly Invitae), Labcorp); PubMed 9016532 (cited by Labcorp Genetics (formerly Invitae), Labcorp); PubMed 17078022 (cited by Labcorp Genetics (formerly Invitae), Labcorp).